The following is an entry in ClinVar:

NM_007294.4(BRCA1):c.851dup (p.His285fs)

Gene: BRCA1 (BRCA1 DNA repair associated; minus strand). Cytogenetic location: 17q21.31.
Variant type: Duplication.
Coding change: c.851dup on transcript NM_007294.4 (MANE Select); coding-DNA position 851, one base duplicated (A; older notation c.851dupA).
Protein change: p.His285fs; shifts the reading frame from histidine 285.
Molecular consequence: frameshift variant. On other transcripts: intron variant (137), 5 prime UTR variant (2).
Genome position (GRCh38, 1-based): chr17:43,094,680, T duplicated on the plus strand (A on the coding strand, the reverse complement: BRCA1 is on the minus strand). VCF-style (leftmost placement, unchanged base first): chr17-43094679-C-CT. GRCh37 (hg19) VCF-style: chr17-41246696-C-CT.
Other names: c.784+64dup (NM_001407985.1, NM_001408397.1, NM_001408401.1 and 13 more transcripts); c.548-3648dup (NM_001408494.1); c.664+64dup (NM_001408444.1, NM_001408438.1, NM_001408430.1 and 12 more transcripts); c.670+1166dup (NM_001408423.1, NM_001408420.1, NM_001408419.1 and 2 more transcripts); c.787+64dup (NM_001408404.1, NM_001408472.1, NM_001407980.1 and 19 more transcripts); c.638dup, p.His214fs (NM_001407571.1, NM_001407853.1, NM_001407894.1 and 9 more transcripts); c.851dup, p.His285fs (NM_001407581.1, NM_001407582.1, NM_001407583.1 and 30 more transcripts); c.848dup, p.His284fs (NM_001407587.1, NM_001407590.1, NM_001407591.1 and 22 more transcripts); and 41 more; short protein forms H117fs, H196fs, H197fs, H214fs, H217fs, H285fs, H157fs, H237fs.
Identifiers: ClinVar variation 3481888 (VCV003481888.1).

ClinVar aggregate classification (germline): Pathogenic (1 of 4 stars; one submission).

Conditions:
Hereditary cancer-predisposing syndrome. Also called: Tumor predisposition; Neoplastic Syndromes, Hereditary; Hereditary Cancer Syndrome; Hereditary neoplastic syndrome. Identifiers: Orphanet 140162, MedGen C0027672, MeSH D009386, MONDO:0015356.

Submission:

Ambry Genetics
Classification: Pathogenic for Hereditary cancer-predisposing syndrome. Last evaluated: 2024-11-09. Review status: criteria provided, single submitter. Criteria: Ambry Variant Classification Scheme 2023. Collection method: clinical testing. Allele origin: germline.
Comment: The c.851dupA pathogenic mutation, located in coding exon 9 of the BRCA1 gene, results from a duplication of A at nucleotide position 851, causing a translational frameshift with a predicted alternate stop codon (p.H285Afs*2). This variant is considered to be rare based on population cohorts in the Genome Aggregation Database (gnomAD). This alteration is expected to result in loss of function by premature protein truncation or nonsense-mediated mRNA decay. As such, this alteration is interpreted as a disease-causing mutation.